The following is an entry in ClinVar:

ClinVar aggregate classification (germline): Uncertain significance. Review status: criteria provided, multiple submitters, no conflicts (2 of 4 stars). 2 submissions from 2 submitters: Uncertain significance (2). Last evaluated 2026-03-11.

Conditions:
Hereditary cancer-predisposing syndrome. Also called: Hereditary Cancer Syndrome; Tumor predisposition; Neoplastic Syndromes, Hereditary; Hereditary neoplastic syndrome. Identifiers: Orphanet 140162, MedGen C0027672, MeSH D009386, MONDO:0015356.
Familial meningioma. Also called: Meningioma, familial, susceptibility to. Identifiers: Orphanet 263662, MedGen C3551915, MONDO:0011789, OMIM 607174.

Submissions (2):

Ambry Genetics
Classification: Uncertain significance for Hereditary cancer-predisposing syndrome. Last evaluated: 2026-03-11. Review status: criteria provided, single submitter. Criteria: Ambry Variant Classification Scheme 2023. Collection method: clinical testing. Allele origin: germline.
Comment: The p.N268S variant (also known as c.803A>G), located in coding exon 8 of the SMARCE1 gene, results from an A to G substitution at nucleotide position 803. The asparagine at codon 268 is replaced by serine, an amino acid with highly similar properties. This amino acid position is conserved. In addition, this alteration is predicted to be tolerated by in silico analysis. Based on the available evidence, the clinical significance of this variant remains unclear.

Labcorp Genetics (formerly Invitae), Labcorp
Classification: Uncertain significance for Familial meningioma. Last evaluated: 2024-11-11. Review status: criteria provided, single submitter. Criteria: Invitae Variant Classification Sherloc (09022015). Collection method: clinical testing. Allele origin: germline.
Comment: This sequence change replaces asparagine, which is neutral and polar, with serine, which is neutral and polar, at codon 268 of the SMARCE1 protein (p.Asn268Ser). This variant is not present in population databases (gnomAD no frequency). This variant has not been reported in the literature in individuals affected with SMARCE1-related conditions. ClinVar contains an entry for this variant (Variation ID: 834640). Invitae Evidence Modeling of protein sequence and biophysical properties (such as structural, functional, and spatial information, amino acid conservation, physicochemical variation, residue mobility, and thermodynamic stability) indicates that this missense variant is not expected to disrupt SMARCE1 protein function with a negative predictive value of 80%. In summary, the available evidence is currently insufficient to determine the role of this variant in disease. Therefore, it has been classified as a Variant of Uncertain Significance.

NM_003079.5(SMARCE1):c.803A>G (p.Asn268Ser)

Gene: SMARCE1 (SWI/SNF related BAF chromatin remodeling complex subunit E1; minus strand). Cytogenetic location: 17q21.2.
Variant type: single nucleotide variant.
Coding change: c.803A>G on transcript NM_003079.5 (MANE Select); coding-DNA position 803, A replaced by G.
Protein change: p.Asn268Ser; replaces asparagine 268 with serine.
Molecular consequence: missense variant.
Genome position (GRCh38, 1-based): chr17:40,631,605, T>C on the plus strand (A>G on the coding strand, the complement: SMARCE1 is on the minus strand). VCF-style: chr17-40631605-T-C. GRCh37 (hg19) VCF-style: chr17-38787857-T-C.
Other names: short protein forms N268S.
Identifiers: ClinVar variation 834640 (VCV000834640.10), dbSNP rs2037096315, ClinGen allele CA399364166.
Genomic context (GRCh38, chr17:40,631,605, plus strand): 5'-GTAACAGGTATAGTGATAAAAGTATAGTTAACATATTAAACAGATACCCTTTTAAGTTCA[T>C]TGTTAAATGAATCTGTGCTTTCCAGGAATTTCCTCTTCTTCTCCTGGTGTCGTTCCTCTA-3'
Protein context (NP_003070.3, residues 258-278): KFLESTDSFN[Asn268Ser]ELKRLCGLKV